The following is an entry in ClinVar:

NM_017436.7(A4GALT):c.656C>T (p.Ala219Val)

Gene: A4GALT (alpha 1,4-galactosyltransferase (P1PK blood group); minus strand). Cytogenetic location: 22q13.2.
Variant type: single nucleotide variant.
Coding change: c.656C>T on transcript NM_017436.7 (MANE Select); coding-DNA position 656, C replaced by T.
Protein change: p.Ala219Val; replaces alanine 219 with valine.
Molecular consequence: missense variant.
Genome position (GRCh38, 1-based): chr22:42,693,296, G>A on the plus strand (C>T on the coding strand, the complement: A4GALT is on the minus strand). VCF-style: chr22-42693296-G-A. GRCh37 (hg19) VCF-style: chr22-43089302-G-A.
Other names: c.656C>T, p.Ala219Val (NM_001318038.3); short protein forms A219V.
Identifiers: ClinVar variation 2138456 (VCV002138456.4), dbSNP rs374580731, ClinGen allele CA10270247.

ClinVar aggregate classification (germline): Uncertain significance (1 of 4 stars; one submission).

Allele frequency attached by ClinVar (database versions not stated): gnomAD exomes below 0.00001; ExAC 0.00001; gnomAD 0.00001; TOPMed 0.00001; ESP Exome Variant Server 0.00008.
gnomAD v4.1: 6 of 1,612,984 alleles (0.00037%); highest among the groups gnomAD compares: African/African-American, 0.0027%; no homozygotes.

Submission:

Labcorp Genetics (formerly Invitae), Labcorp
Classification: Uncertain significance. Last evaluated: 2022-07-30. Review status: criteria provided, single submitter. Criteria: Invitae Variant Classification Sherloc (09022015). Collection method: clinical testing. Allele origin: germline.
Comment: In summary, the available evidence is currently insufficient to determine the role of this variant in disease. Therefore, it has been classified as a Variant of Uncertain Significance. Algorithms developed to predict the effect of missense changes on protein structure and function are either unavailable or do not agree on the potential impact of this missense change (SIFT: "Not Available"; PolyPhen-2: "Probably Damaging"; Align-GVGD: "Not Available"). This variant has not been reported in the literature in individuals affected with A4GALT-related conditions. This variant is present in population databases (rs374580731, gnomAD 0.007%). This sequence change replaces alanine, which is neutral and non-polar, with valine, which is neutral and non-polar, at codon 219 of the A4GALT protein (p.Ala219Val).